The following is an entry in ClinVar:

NM_015141.4(GPD1L):c.885T>A (p.Asn295Lys)

Gene: GPD1L (glycerol-3-phosphate dehydrogenase 1 like; plus strand). Cytogenetic location: 3p22.3.
Variant type: single nucleotide variant.
Coding change: c.885T>A on transcript NM_015141.4 (MANE Select); coding-DNA position 885, T replaced by A.
Protein change: p.Asn295Lys; replaces asparagine 295 with lysine.
Molecular consequence: missense variant.
Genome position (GRCh38, 1-based): chr3:32,159,600, T>A. VCF-style: chr3-32159600-T-A. GRCh37 (hg19) VCF-style: chr3-32201092-T-A.
Other names: short protein forms N295K.
Identifiers: ClinVar variation 4614253 (VCV004614253.1).
Genomic context (GRCh38, chr3:32,159,600, plus strand): 5'-TTTAAATATATAATCCTTTGTTTTTAAGACCATTGAAGAGTTGGAGAAGGAGATGCTGAA[T>A]GGGCAAAAGCTCCAAGGACCGCAGACTTCTGCTGAAGTGTACCGCATCCTCAAACAGAAG-3'
Protein context (NP_055956.1, residues 285-305): TIEELEKEML[Asn295Lys]GQKLQGPQTS

ClinVar aggregate classification (germline): Uncertain significance (1 of 4 stars; one submission).

Conditions:
Cardiovascular phenotype. Identifiers: MedGen CN230736.

Submission:

Ambry Genetics
Classification: Uncertain significance for Cardiovascular phenotype. Last evaluated: 2025-09-28. Review status: criteria provided, single submitter. Criteria: Ambry Variant Classification Scheme 2023. Collection method: clinical testing. Allele origin: germline.
Comment: The p.N295K variant (also known as c.885T>A), located in coding exon 7 of the GPD1L gene, results from a T to A substitution at nucleotide position 885. The asparagine at codon 295 is replaced by lysine, an amino acid with similar properties. This amino acid position is conserved. In addition, this alteration is predicted to be tolerated by in silico analysis. Based on the available evidence, the clinical significance of this variant remains unclear.